The following is an entry in ClinVar:

ClinVar aggregate classification (germline): Pathogenic (1 of 4 stars; one submission).

Conditions:
Developmental and epileptic encephalopathy, 72. Also called: EPILEPTIC ENCEPHALOPATHY, EARLY INFANTILE, 72. Identifiers: MedGen C5193063, MONDO:0032710, OMIM 618374.

Allele frequency attached by ClinVar (database versions not stated): gnomAD 0.00001; ExAC 0.00005; 1000 Genomes Project 30x 0.00016; 1000 Genomes Project 0.00040.
gnomAD v4.1: 1 of 1,550,102 alleles (0.000065%); highest among the groups gnomAD compares: South Asian, 0.0012%; no homozygotes.

Submission:

Neuberg Centre For Genomic Medicine, NCGM
Classification: Pathogenic for Developmental and epileptic encephalopathy, 72. Review status: criteria provided, single submitter. Criteria: ACMG Guidelines, 2015. Collection method: clinical testing. Allele origin: germline. Inheritance: Autosomal dominant inheritance. Affected: yes.
Comment: The missense variant in c.208T>G(p.Leu70Val) in NEUROD2 gene has not been reported previously as a pathogenic variant nor as a benign variant, to our knowledge. This variant is reported with allele frequency of 0.0007% in gnomAD database. This variant has not been reported to the ClinVar database. The amino acid change p.Leu70Val in NEUROD2 is predicted as conserved by GERP++ and PhyloP across 100 vertebrates. The amino acid Leu at position 70 is changed to a Val changing protein sequence and it might alter its composition and physico-chemical properties. For these reasons, this variant has been classified as Uncertain Significance.

NM_006160.4(NEUROD2):c.208T>G (p.Leu70Val)

Gene: NEUROD2 (neuronal differentiation 2; minus strand). Cytogenetic location: 17q12.
Variant type: single nucleotide variant.
Coding change: c.208T>G on transcript NM_006160.4 (MANE Select); coding-DNA position 208, T replaced by G.
Protein change: p.Leu70Val; replaces leucine 70 with valine.
Molecular consequence: missense variant.
Genome position (GRCh38, 1-based): chr17:39,606,392, A>C on the plus strand (T>G on the coding strand, the complement: NEUROD2 is on the minus strand). VCF-style: chr17-39606392-A-C. GRCh37 (hg19) VCF-style: chr17-37762645-A-C.
Other names: short protein forms L70V.
Identifiers: ClinVar variation 2585123 (VCV002585123.1), dbSNP rs558808033, ClinGen allele CA8531853.